The following is an entry in ClinVar:

NM_005461.5(MAFB):c.162G>A (p.Ser54=)

Gene: MAFB (MAF bZIP transcription factor B; minus strand). Cytogenetic location: 20q12.
Variant type: single nucleotide variant.
Coding change: c.162G>A on transcript NM_005461.5 (MANE Select); coding-DNA position 162, G replaced by A.
Protein change: p.Ser54=; no amino-acid change (serine 54 retained).
Molecular consequence: synonymous variant.
Genome position (GRCh38, 1-based): chr20:40,688,689, C>T on the plus strand (G>A on the coding strand, the complement: MAFB is on the minus strand). VCF-style: chr20-40688689-C-T. GRCh37 (hg19) VCF-style: chr20-39317329-C-T.
Identifiers: ClinVar variation 4763285 (VCV004763285.1).

ClinVar aggregate classification (germline): Uncertain significance (1 of 4 stars; one submission).

Submission:

Labcorp Genetics (formerly Invitae), Labcorp
Classification: Uncertain significance. Last evaluated: 2025-04-07. Review status: criteria provided, single submitter. Criteria: Invitae Variant Classification Sherloc (09022015). Collection method: clinical testing. Allele origin: germline.
Comment: This sequence change affects codon 54 of the MAFB mRNA. It is a 'silent' change, meaning that it does not change the encoded amino acid sequence of the MAFB protein. This variant is not present in population databases (gnomAD no frequency). This variant has not been reported in the literature in individuals affected with MAFB-related conditions. In summary, the available evidence is currently insufficient to determine the role of this variant in disease. Therefore, it has been classified as a Variant of Uncertain Significance.